The following is an entry in ClinVar:

ClinVar aggregate classification (germline): Uncertain significance (1 of 4 stars; one submission).

gnomAD v4.1: 6 of 1,613,466 alleles (0.00037%); highest among the groups gnomAD compares: South Asian, 0.0011%; no homozygotes.

Submission:

Labcorp Genetics (formerly Invitae), Labcorp
Classification: Uncertain significance. Last evaluated: 2025-05-21. Review status: criteria provided, single submitter. Criteria: Invitae Variant Classification Sherloc (09022015). Collection method: clinical testing. Allele origin: germline.
Comment: This sequence change replaces arginine, which is basic and polar, with histidine, which is basic and polar, at codon 5 of the VAV1 protein (p.Arg5His). This variant is present in population databases (no rsID available, gnomAD 0.002%). This variant has not been reported in the literature in individuals affected with VAV1-related conditions. An algorithm developed to predict the effect of missense changes on protein structure and function (PolyPhen-2) suggests that this variant is likely to be disruptive. In summary, the available evidence is currently insufficient to determine the role of this variant in disease. Therefore, it has been classified as a Variant of Uncertain Significance.

NM_005428.4(VAV1):c.14G>A (p.Arg5His)

Gene: VAV1 (vav guanine nucleotide exchange factor 1; plus strand). Cytogenetic location: 19p13.3.
Variant type: single nucleotide variant.
Coding change: c.14G>A on transcript NM_005428.4 (MANE Select); coding-DNA position 14, G replaced by A.
Protein change: p.Arg5His; replaces arginine 5 with histidine.
Molecular consequence: missense variant.
Genome position (GRCh38, 1-based): chr19:6,772,821, G>A. VCF-style: chr19-6772821-G-A. GRCh37 (hg19) VCF-style: chr19-6772832-G-A.
Other names: c.14G>A, p.Arg5His (NM_001258206.2, NM_001258207.2); short protein forms R5H.
Identifiers: ClinVar variation 4708032 (VCV004708032.1).